The following is an entry in ClinVar:

NM_001330260.2(SCN8A):c.1673G>A (p.Arg558His)

Gene: SCN8A (sodium voltage-gated channel alpha subunit 8; plus strand). Cytogenetic location: 12q13.13.
Variant type: single nucleotide variant.
Coding change: c.1673G>A on transcript NM_001330260.2 (MANE Select); coding-DNA position 1673, G replaced by A.
Protein change: p.Arg558His; replaces arginine 558 with histidine.
Molecular consequence: missense variant.
Genome position (GRCh38, 1-based): chr12:51,721,583, G>A. VCF-style: chr12-51721583-G-A. GRCh37 (hg19) VCF-style: chr12-52115367-G-A.
Other names: c.1673G>A, p.Arg558His (NM_001177984.3, NM_001369788.1, NM_014191.4); c.1673G>A (NM_014191.3); short protein forms R558H.
Identifiers: ClinVar variation 4767375 (VCV004767375.2).

ClinVar aggregate classification (germline): Uncertain significance. Review status: criteria provided, multiple submitters, no conflicts (2 of 4 stars). 2 submissions from 2 submitters: Uncertain significance (2). Last evaluated 2026-02-26.

Conditions:
Early-infantile DEE. Also called: Early infantile epileptic encephalopathy with suppression bursts; Ohtahara syndrome; Early infantile epileptic encephalopathy. Identifiers: Orphanet 1934, MedGen C0393706, MONDO:0800491.
SCN8A-related disorder.

gnomAD v4.1: 4 of 1,611,922 alleles (0.00025%); highest among the groups gnomAD compares: African/African-American, 0.0027%; no homozygotes.

Submissions (2):

PreventionGenetics, part of Exact Sciences
Classification: Uncertain significance for SCN8A-related condition. Last evaluated: 2026-02-26. Review status: criteria provided, single submitter. Criteria: ACMG Guidelines, 2015. Collection method: clinical testing. Allele origin: germline.
Comment: The SCN8A c.1673G>A variant is predicted to result in the amino acid substitution p.Arg558His. To our knowledge, this variant has not been reported in the literature. This variant is reported in 0.0067% of alleles in individuals of African descent in gnomAD. At this time, the clinical significance of this variant is uncertain due to the absence of conclusive functional and genetic evidence.

Labcorp Genetics (formerly Invitae), Labcorp
Classification: Uncertain significance for Early-infantile DEE. Last evaluated: 2025-12-01. Review status: criteria provided, single submitter. Criteria: Invitae Variant Classification Sherloc (09022015). Collection method: clinical testing. Allele origin: germline.
Comment: This sequence change replaces arginine, which is basic and polar, with histidine, which is basic and polar, at codon 558 of the SCN8A protein (p.Arg558His). The frequency data for this variant in the population databases is considered unreliable, as metrics indicate poor data quality at this position in the gnomAD database. This variant has not been reported in the literature in individuals affected with SCN8A-related conditions. Invitae Evidence Modeling of protein sequence and biophysical properties (such as structural, functional, and spatial information, amino acid conservation, physicochemical variation, residue mobility, and thermodynamic stability) indicates that this missense variant is not expected to disrupt SCN8A protein function with a negative predictive value of 95%. In summary, the available evidence is currently insufficient to determine the role of this variant in disease. Therefore, it has been classified as a Variant of Uncertain Significance.